The following is an entry in ClinVar:

NM_001267550.2(TTN):c.97964C>A (p.Thr32655Asn)

Genes: TTN (titin; minus strand), TTN-AS1 (TTN antisense RNA 1; plus strand). Cytogenetic location: 2q31.2.
Variant type: single nucleotide variant.
Coding change: c.97964C>A on transcript NM_001267550.2 (MANE Select); coding-DNA position 97964, C replaced by A.
Protein change: p.Thr32655Asn; replaces threonine 32655 with asparagine.
Molecular consequence: missense variant.
Genome position (GRCh38, 1-based): chr2:178,540,202, G>T on the plus strand (C>A on the coding strand, the complement: TTN is on the minus strand). VCF-style: chr2-178540202-G-T. GRCh37 (hg19) VCF-style: chr2-179404929-G-T.
Other names: c.93041C>A, p.Thr31014Asn (NM_001256850.1); c.70769C>A, p.Thr23590Asn (NM_003319.4); c.90260C>A, p.Thr30087Asn (NM_133378.4); c.71144C>A, p.Thr23715Asn (NM_133432.3); c.71345C>A, p.Thr23782Asn (NM_133437.4); short protein forms T23590N, T23715N, T23782N, T30087N, T31014N, T32655N.
Identifiers: ClinVar variation 1311350 (VCV001311350.2), dbSNP rs2154140534, ClinGen allele CA349435751.
Genomic context (GRCh38, chr2:178,540,202, plus strand): 5'-ACGCGGAACCTGTATTCTGCACCCTGAGGTAGGTGTGTTAGAGTATACTCTCGAATCTTG[G>T]TTGGAGTGGTGTTACACTTGGTCCATTCATGTTGATCTACTTTTTGCATTTCAATCAAGT-3'
Protein context (NP_001254479.2, residues 32645-32665): HEWTKCNTTP[Thr32655Asn]KIREYTLTHL

ClinVar aggregate classification (germline): Uncertain significance (1 of 4 stars; one submission).

Submission:

GeneDx
Classification: Uncertain significance. Last evaluated: 2020-01-21. Review status: criteria provided, single submitter. Criteria: GeneDx Variant Classification Process June 2021. Collection method: clinical testing. Allele origin: germline. Affected: yes.
Comment: Not observed in large population cohorts (Lek et al., 2016); In silico analysis, which includes protein predictors and evolutionary conservation, supports that this variant does not alter protein structure/function; Has not been previously published as pathogenic or benign to our knowledge